The following is an entry in ClinVar:

ClinVar aggregate classification (germline): Conflicting classifications of pathogenicity. Review status: criteria provided, conflicting classifications (1 of 4 stars). 3 submissions from 3 submitters: Uncertain significance (2); Likely benign (1). Last evaluated 2025-12-03.

Allele frequency attached by ClinVar (database versions not stated): gnomAD exomes 0.00001; gnomAD 0.00002 and 0.00003; TOPMed 0.00002.
gnomAD v4.1: 21 of 1,612,856 alleles (0.0013%); highest among the groups gnomAD compares: Admixed American, 0.0033%; no homozygotes.

Submissions (3):

GeneDx
Classification: Uncertain significance. Last evaluated: 2025-12-03. Review status: criteria provided, single submitter. Criteria: GeneDx Variant Classification Process June 2021. Collection method: clinical testing. Allele origin: germline.
Comment: In silico analysis suggests that this missense variant does not alter protein structure/function; Has not been previously published as pathogenic or benign to our knowledge; Not observed at significant frequency in large population cohorts (gnomAD)

Labcorp Genetics (formerly Invitae), Labcorp
Classification: Likely benign. Last evaluated: 2025-11-08. Review status: criteria provided, single submitter. Criteria: Invitae Variant Classification Sherloc (09022015). Collection method: clinical testing. Allele origin: germline.

Blueprint Genetics
Classification: Uncertain significance. Last evaluated: 2022-08-23. Review status: criteria provided, single submitter. Criteria: ACMG Guidelines, 2015. Collection method: clinical testing. Allele origin: germline.

NM_080680.3(COL11A2):c.3064G>A (p.Ala1022Thr)

Gene: COL11A2 (collagen type XI alpha 2 chain; minus strand). Cytogenetic location: 6p21.32.
Variant type: single nucleotide variant.
Coding change: c.3064G>A on transcript NM_080680.3 (MANE Select); coding-DNA position 3064, G replaced by A.
Protein change: p.Ala1022Thr; replaces alanine 1022 with threonine.
Molecular consequence: missense variant.
Genome position (GRCh38, 1-based): chr6:33,171,799, C>T on the plus strand (G>A on the coding strand, the complement: COL11A2 is on the minus strand). VCF-style: chr6-33171799-C-T. GRCh37 (hg19) VCF-style: chr6-33139576-C-T.
Other names: c.2743G>A, p.Ala915Thr (NM_080679.3); c.2806G>A, p.Ala936Thr (NM_080681.3); short protein forms A915T, A1022T, A936T.
Identifiers: ClinVar variation 1497887 (VCV001497887.10), dbSNP rs1398107304, ClinGen allele CA363636559.
Genomic context (GRCh38, chr6:33,171,799, plus strand): 5'-CAGGGGGACCCTGCGGGCCTGGGCGCCCTGGCGGACCAATGGGTCCCCCTGATCCTGCTG[C>T]ACCTCGTTCCCCAGGGGAGCCCTGAGAAAGCAGATGGTCAGACCCCCAGGAAGGAGACAC-3'
Protein context (NP_542411.2, residues 1012-1032): GPAGSPGERG[Ala1022Thr]AGSGGPIGPP